The following is an entry in ClinVar:

ClinVar aggregate classification (germline): Benign/Likely benign. Review status: criteria provided, multiple submitters, no conflicts (2 of 4 stars). 9 submissions from 9 submitters: Benign (6); Likely benign (3). Last evaluated 2026-01-05.

Conditions:
Charcot-Marie-Tooth disease type 4F. Also called: Charcot-Marie-Tooth disease, demyelinating, type 4F. Identifiers: Orphanet 99952, MedGen C3540453, MONDO:0013959, OMIM 614895.
Charcot-Marie-Tooth disease type 4. Also called: Charcot-Marie-Tooth, Type 4; Charcot-Marie-Tooth disease, type IV. Identifiers: Orphanet 64749, MedGen C4082197, MONDO:0018995.
Inborn genetic diseases. Identifiers: MedGen C0950123, MeSH D030342.
Charcot-Marie-Tooth disease. Also called: Charcot-Marie-Tooth Neuropathy; Charcot-Marie-Tooth Hereditary Neuropathy. Identifiers: Orphanet 166, MedGen C0007959, MONDO:0015626.
Dejerine-Sottas disease. Also called: DEJERINE-SOTTAS NEUROPATHY; HEREDITARY MOTOR AND SENSORY NEUROPATHY TYPE III; HMSN Type III; Hereditary motor and sensory neuropathy 3; Charcot-Marie-Tooth disease type 3. Identifiers: Orphanet 64748, MedGen C0011195, MONDO:0007790, OMIM 145900.

Allele frequency attached by ClinVar (database versions not stated): 1000 Genomes Project 0.00679; 1000 Genomes Project 30x 0.00750; gnomAD exomes 0.00059 and 0.00145; ExAC 0.00214; ESP Exome Variant Server 0.00516; gnomAD 0.00584 and 0.00620; TOPMed 0.00630.
gnomAD v4.1: 1,796 of 1,610,896 alleles (0.11%); highest among the groups gnomAD compares: African/African-American, 2%; 15 homozygotes.

Submissions (9):

Labcorp Genetics (formerly Invitae), Labcorp
Classification: Benign for Charcot-Marie-Tooth disease type 4. Last evaluated: 2026-01-05. Review status: criteria provided, single submitter. Criteria: Invitae Variant Classification Sherloc (09022015). Collection method: clinical testing. Allele origin: germline.

Mayo Clinic Laboratories, Mayo Clinic
Classification: Benign. Last evaluated: 2022-06-02. Review status: criteria provided, single submitter. Criteria: ACMG Guidelines, 2015. Collection method: clinical testing. Allele origin: germline. Observed: 7 variant alleles.

ARUP Laboratories, Molecular Genetics and Genomics, ARUP Laboratories
Classification: Benign. Last evaluated: 2022-03-18. Review status: criteria provided, single submitter. Criteria: ARUP Molecular Germline Variant Investigation Process 2021. Collection method: clinical testing. Allele origin: germline.

Fulgent Genetics
Classification: Benign for Dejerine-Sottas disease; Charcot-Marie-Tooth disease type 4F. Last evaluated: 2021-08-16. Review status: criteria provided, single submitter. Criteria: ACMG Guidelines, 2015. Collection method: clinical testing. Allele origin: unknown.

Ambry Genetics
Classification: Likely benign for Inborn genetic diseases. Last evaluated: 2019-07-11. Review status: criteria provided, single submitter. Criteria: Ambry Variant Classification Scheme 2023. Collection method: clinical testing. Allele origin: germline.

Illumina Laboratory Services, Illumina
Classification: Benign for Charcot-Marie-Tooth disease type 4F. Last evaluated: 2018-01-13. Review status: criteria provided, single submitter. Criteria: ICSL Variant Classification Criteria 13 December 2019. Collection method: clinical testing. Allele origin: germline.
Comment: This variant was observed in the ICSL laboratory as part of a predisposition screen in an ostensibly healthy population. It had not been previously curated by ICSL or reported in the Human Gene Mutation Database (HGMD: prior to June 1st, 2018), and was therefore a candidate for classification through an automated scoring system. Utilizing variant allele frequency, disease prevalence and penetrance estimates, and inheritance mode, an automated score was calculated to assess if this variant is too frequent to cause the disease. Based on the score and internal cut-off values, a variant classified as benign is not then subjected to further curation. The score for this variant resulted in a classification of benign for this disease.

GeneDx
Classification: Benign. Last evaluated: 2016-12-06. Review status: criteria provided, single submitter. Criteria: GeneDx Variant Classification (06012015). Collection method: clinical testing. Allele origin: germline. Affected: yes.
Comment: This variant is considered likely benign or benign based on one or more of the following criteria: it is a conservative change, it occurs at a poorly conserved position in the protein, it is predicted to be benign by multiple in silico algorithms, and/or has population frequency not consistent with disease.

Breakthrough Genomics
Classification: Likely benign. Review status: criteria provided, single submitter. Criteria: ACMG Guidelines, 2015. Collection method: not provided. Allele origin: germline. Inheritance: Autosomal recessive inheritance. Affected: yes.

Molecular Genetics Laboratory, London Health Sciences Centre
Classification: Likely benign for Charcot-Marie-Tooth disease. Review status: criteria provided, single submitter. Criteria: ACMG Guidelines, 2015. Collection method: clinical testing. Allele origin: germline. Affected: yes.

NM_181882.3(PRX):c.4044G>C (p.Gly1348=)

Gene: PRX (periaxin; minus strand). Cytogenetic location: 19q13.2.
Variant type: single nucleotide variant.
Coding change: c.4044G>C on transcript NM_181882.3 (MANE Select); coding-DNA position 4044, G replaced by C.
Protein change: p.Gly1348=; no amino-acid change (glycine 1348 retained).
Molecular consequence: synonymous variant. On other transcripts: 3 prime UTR variant (1).
Genome position (GRCh38, 1-based): chr19:40,394,308, C>G on the plus strand (G>C on the coding strand, the complement: PRX is on the minus strand). VCF-style: chr19-40394308-C-G. GRCh37 (hg19) VCF-style: chr19-40900215-C-G.
Other names: p.Gly1348=; c.*4249G>C (NM_020956.2).
Identifiers: ClinVar variation 329250 (VCV000329250.30), dbSNP rs76088917, ClinGen allele CA9443719.